The following is an entry in ClinVar:

NM_001267550.2(TTN):c.101214_101218dup (p.Gly33740delinsValTer)

Genes: TTN-AS1 (TTN antisense RNA 1; plus strand), TTN (titin; minus strand). Cytogenetic location: 2q31.2.
Variant type: Duplication.
Coding change: c.101214_101218dup on transcript NM_001267550.2 (MANE Select); coding-DNA positions 101214 to 101218, 5 bases duplicated (TGTAG; older notation c.101214_101218dupTGTAG).
Protein change: p.Gly33740delinsValTer.
Molecular consequence: nonsense.
Genome position (GRCh38, 1-based): chr2:178,535,397-178,535,401, CTACA duplicated on the plus strand (TGTAG on the coding strand, the reverse complement: TTN is on the minus strand); duplicating any 5 consecutive bases within chr2:178,535,397-178,535,402 gives the same sequence; the c. name uses the placement nearest the transcript's 3' end. VCF-style (leftmost placement, unchanged base first): chr2-178535396-C-CCTACA. GRCh37 (hg19) VCF-style: chr2-179400123-C-CCTACA.
Other names: c.96291_96295dup, p.Gly32099delinsValTer (NM_001256850.1); c.74019_74023dup, p.Gly24675delinsValTer (NM_003319.4); c.93510_93514dup, p.Gly31172delinsValTer (NM_133378.4); c.74394_74398dup, p.Gly24800delinsValTer (NM_133432.3); c.74595_74599dup, p.Gly24867delinsValTer (NM_133437.4).
Identifiers: ClinVar variation 3756387 (VCV003756387.2).

ClinVar aggregate classification (germline): Likely pathogenic (1 of 4 stars; one submission).

Conditions:
Dilated cardiomyopathy 1G (CMD1G). Identifiers: Orphanet 154, MedGen C1858763, MONDO:0011400, OMIM 604145.
Autosomal recessive limb-girdle muscular dystrophy type 2J (LGMDR10). Also called: Limb-girdle muscular dystrophy, type 2J; MUSCULAR DYSTROPHY, LIMB-GIRDLE, AUTOSOMAL RECESSIVE 10. Identifiers: Orphanet 140922, MedGen C1837342, MONDO:0012127, OMIM 608807.

Submission:

Labcorp Genetics (formerly Invitae), Labcorp
Classification: Likely pathogenic for Dilated cardiomyopathy 1G; Autosomal recessive limb-girdle muscular dystrophy type 2J. Last evaluated: 2024-05-20. Review status: criteria provided, single submitter. Criteria: Invitae Variant Classification Sherloc (09022015). Collection method: clinical testing. Allele origin: germline.
Comment: This sequence change creates a premature translational stop signal (p.Gly33740Valfs*2) in the TTN gene. While this is not anticipated to result in nonsense mediated decay, it is expected to create a truncated TTN protein. This variant is not present in population databases (gnomAD no frequency). This variant has not been reported in the literature in individuals affected with TTN-related conditions. This variant is located in the M band of TTN (PMID: 25589632). Truncating variants in this region have been previously reported in individuals affected with autosomal recessive myopathy and muscular dystrophy (PMID: 18948003, 23975875, 24395473). Truncating variants in this region have also been identified in individuals affected with autosomal dominant dilated cardiomyopathy and/or cardio-related conditions (PMID: 27869827, 32964742, Invitae internal data). In summary, the currently available evidence indicates that the variant is pathogenic, but additional data are needed to prove that conclusively. Therefore, this variant has been classified as Likely Pathogenic.

Literature cited by the submitters: PubMed 25589632; PubMed 18948003; PubMed 23975875; PubMed 24395473; PubMed 27869827; PubMed 32964742.